The following is an entry in ClinVar:

ClinVar aggregate classification (germline): Uncertain significance (1 of 4 stars; one submission).

Conditions:
Brugada syndrome 4 (BRGDA4). Identifiers: Orphanet 130, MedGen C2678477, MONDO:0012743, OMIM 611876.

Submission:

Labcorp Genetics (formerly Invitae), Labcorp
Classification: Uncertain significance for Brugada syndrome 4. Last evaluated: 2025-05-17. Review status: criteria provided, single submitter. Criteria: Invitae Variant Classification Sherloc (09022015). Collection method: clinical testing. Allele origin: germline.
Comment: This sequence change replaces leucine, which is neutral and non-polar, with phenylalanine, which is neutral and non-polar, at codon 330 of the CACNB2 protein (p.Leu330Phe). This variant is not present in population databases (gnomAD no frequency). This variant has not been reported in the literature in individuals affected with CACNB2-related conditions. ClinVar contains an entry for this variant (Variation ID: 1016784). Invitae Evidence Modeling of protein sequence and biophysical properties (such as structural, functional, and spatial information, amino acid conservation, physicochemical variation, residue mobility, and thermodynamic stability) indicates that this missense variant is expected to disrupt CACNB2 protein function with a positive predictive value of 80%. In summary, the available evidence is currently insufficient to determine the role of this variant in disease. Therefore, it has been classified as a Variant of Uncertain Significance.

NM_201596.3(CACNB2):c.1150C>T (p.Leu384Phe)

Gene: CACNB2 (calcium voltage-gated channel auxiliary subunit beta 2; plus strand). Cytogenetic location: 10p12.31.
Variant type: single nucleotide variant.
Coding change: c.1150C>T on transcript NM_201596.3 (MANE Select); coding-DNA position 1150, C replaced by T.
Protein change: p.Leu384Phe; replaces leucine 384 with phenylalanine.
Molecular consequence: missense variant.
Genome position (GRCh38, 1-based): chr10:18,534,171, C>T. VCF-style: chr10-18534171-C-T. GRCh37 (hg19) VCF-style: chr10-18823100-C-T.
Other names: c.985C>T, p.Leu329Phe (NM_000724.4); c.952C>T, p.Leu318Phe (NM_001167945.2); c.871C>T, p.Leu291Phe (NM_001330060.2); c.1006C>T, p.Leu336Phe (NM_201570.3); c.1066C>T, p.Leu356Phe (NM_201571.4); c.994C>T, p.Leu332Phe (NM_201572.4); c.988C>T, p.Leu330Phe (NM_201590.3); c.1036C>T, p.Leu346Phe (NM_201593.3); and 1 more; short protein forms L291F, L318F, L329F, L330F, L332F, L336F, L346F, L356F.
Identifiers: ClinVar variation 1016784 (VCV001016784.8), dbSNP rs2053331995, ClinGen allele CA376067971.